The following is an entry in ClinVar:

NM_000939.4(POMC):c.710A>G (p.Tyr237Cys)

Gene: POMC (proopiomelanocortin; minus strand). Cytogenetic location: 2p23.3.
Variant type: single nucleotide variant.
Coding change: c.710A>G on transcript NM_000939.4 (MANE Select); coding-DNA position 710, A replaced by G.
Protein change: p.Tyr237Cys; replaces tyrosine 237 with cysteine.
Molecular consequence: missense variant.
Genome position (GRCh38, 1-based): chr2:25,161,175, T>C on the plus strand (A>G on the coding strand, the complement: POMC is on the minus strand). VCF-style: chr2-25161175-T-C. GRCh37 (hg19) VCF-style: chr2-25384044-T-C.
Other names: c.710A>G, p.Tyr237Cys (NM_001035256.3, NM_001319204.2, NM_001319205.2); short protein forms Y237C.
Identifiers: ClinVar variation 2501879 (VCV002501879.1), dbSNP rs777967574, ClinGen allele CA1555231.

ClinVar aggregate classification (germline): Uncertain significance (1 of 4 stars; one submission).

Allele frequency attached by ClinVar (database versions not stated): gnomAD exomes below 0.00001; ExAC 0.00001.

Submission:

GeneDx
Classification: Uncertain significance. Last evaluated: 2022-11-10. Review status: criteria provided, single submitter. Criteria: GeneDx Variant Classification Process June 2021. Collection method: clinical testing. Allele origin: germline. Affected: yes.
Comment: In silico analysis supports that this missense variant has a deleterious effect on protein structure/function; Has not been previously published as pathogenic or benign to our knowledge